The following is an entry in ClinVar:

ClinVar aggregate classification (germline): Uncertain significance (1 of 4 stars; one submission).

Conditions:
Spastic paraplegia. Identifiers: MedGen C0037772, HP:0001258.

Submission:

Labcorp Genetics (formerly Invitae), Labcorp
Classification: Uncertain significance for Spastic paraplegia. Last evaluated: 2024-08-01. Review status: criteria provided, single submitter. Criteria: Invitae Variant Classification Sherloc (09022015). Collection method: clinical testing. Allele origin: germline.
Comment: This sequence change replaces lysine, which is basic and polar, with arginine, which is basic and polar, at codon 759 of the KIF5A protein (p.Lys759Arg). This variant is not present in population databases (gnomAD no frequency). This variant has not been reported in the literature in individuals affected with KIF5A-related conditions. Advanced modeling of protein sequence and biophysical properties (such as structural, functional, and spatial information, amino acid conservation, physicochemical variation, residue mobility, and thermodynamic stability) performed at Invitae indicates that this missense variant is not expected to disrupt KIF5A protein function with a negative predictive value of 95%. In summary, the available evidence is currently insufficient to determine the role of this variant in disease. Therefore, it has been classified as a Variant of Uncertain Significance.

NM_004984.4(KIF5A):c.2276A>G (p.Lys759Arg)

Gene: KIF5A (kinesin family member 5A; plus strand). Cytogenetic location: 12q13.3.
Variant type: single nucleotide variant.
Coding change: c.2276A>G on transcript NM_004984.4 (MANE Select); coding-DNA position 2276, A replaced by G.
Protein change: p.Lys759Arg; replaces lysine 759 with arginine.
Molecular consequence: missense variant.
Genome position (GRCh38, 1-based): chr12:57,576,838, A>G. VCF-style: chr12-57576838-A-G. GRCh37 (hg19) VCF-style: chr12-57970621-A-G.
Other names: c.2009A>G, p.Lys670Arg (NM_001354705.2); short protein forms K759R, K670R.
Identifiers: ClinVar variation 3637619 (VCV003637619.2).